The following is an entry in ClinVar:

ClinVar aggregate classification (germline): Uncertain significance (1 of 4 stars; one submission).

Submission:

Labcorp Genetics (formerly Invitae), Labcorp
Classification: Uncertain significance. Last evaluated: 2022-02-08. Review status: criteria provided, single submitter. Criteria: Invitae Variant Classification Sherloc (09022015). Collection method: clinical testing. Allele origin: germline.
Comment: This variant has not been reported in the literature in individuals affected with CDHR1-related conditions. In summary, the available evidence is currently insufficient to determine the role of this variant in disease. Therefore, it has been classified as a Variant of Uncertain Significance. Experimental studies and prediction algorithms are not available or were not evaluated, and the functional significance of this variant is currently unknown. Information on the frequency of this variant in the gnomAD database is not available, as this variant may be reported differently in the database. This sequence change replaces leucine, which is neutral and non-polar, with alanine, which is neutral and non-polar, at codon 18 of the CDHR1 protein (p.Leu18Ala).

NM_033100.4(CDHR1):c.52_53delinsGC (p.Leu18Ala)

Gene: CDHR1 (cadherin related family member 1; plus strand). Cytogenetic location: 10q23.1.
Variant type: Indel.
Coding change: c.52_53delinsGC on transcript NM_033100.4 (MANE Select); coding-DNA positions 52 to 53, TT replaced by GC.
Protein change: p.Leu18Ala; replaces leucine 18 with alanine.
Molecular consequence: missense variant.
Genome position (GRCh38, 1-based): chr10:84,194,812-84,194,813, TT replaced by GC. VCF-style: chr10-84194812-TT-GC. GRCh37 (hg19) VCF-style: chr10-85954568-TT-GC.
Other names: c.52_53delinsGC, p.Leu18Ala (NM_001171971.3); short protein forms L18A.
Identifiers: ClinVar variation 1519078 (VCV001519078.8), dbSNP rs2132782900, ClinGen allele CA2573145802.